The following is an entry in ClinVar:

ClinVar aggregate classification (germline): Likely benign (1 of 4 stars; one submission).

gnomAD v4.1: 11 of 1,614,034 alleles (0.00068%); highest among the groups gnomAD compares: African/African-American, 0.0027%; no homozygotes.

Submission:

CeGaT Center for Human Genetics Tuebingen
Classification: Likely benign. Last evaluated: 2026-03-01. Review status: criteria provided, single submitter. Criteria: CeGaT Center For Human Genetics Tuebingen Variant Classification Criteria Version 2. Collection method: clinical testing. Allele origin: germline. Affected: yes. Observed: 1 variant allele.
Comment: FANCI: BP4, BP7

NM_001113378.2(FANCI):c.402C>T (p.Leu134=)

Gene: FANCI (FA complementation group I; plus strand). Cytogenetic location: 15q26.1.
Variant type: single nucleotide variant.
Coding change: c.402C>T on transcript NM_001113378.2 (MANE Select); coding-DNA position 402, C replaced by T.
Protein change: p.Leu134=; no amino-acid change (leucine 134 retained).
Molecular consequence: synonymous variant.
Genome position (GRCh38, 1-based): chr15:89,261,698, C>T. VCF-style: chr15-89261698-C-T. GRCh37 (hg19) VCF-style: chr15-89804929-C-T.
Other names: c.123C>T, p.Leu41= (NM_001376910.1); c.402C>T, p.Leu134= (NM_001376911.1, NM_018193.3).
Identifiers: ClinVar variation 4821993 (VCV004821993.4).
Genomic context (GRCh38, chr15:89,261,698, plus strand): 5'-TGCTGTCAGAGAAGGCAGCCTAGTGAATGGAAAATCTTTGGAGTTACTACCTATCATTCT[C>T]ACTGCCCTGGCTACGAAAAAGGAAAATCTGGCTTATGGAAAAGGTAATTTTCTTCCGACT-3'
Protein context (NP_001106849.1, residues 124-144): GKSLELLPII[Leu134=]TALATKKENL